The following is an entry in ClinVar:

NM_000548.5(TSC2):c.3917G>A (p.Gly1306Asp)

Gene: TSC2 (TSC complex subunit 2; plus strand). Cytogenetic location: 16p13.3.
Variant type: single nucleotide variant.
Coding change: c.3917G>A on transcript NM_000548.5 (MANE Select); coding-DNA position 3917, G replaced by A.
Protein change: p.Gly1306Asp; replaces glycine 1306 with aspartic acid.
Molecular consequence: missense variant.
Genome position (GRCh38, 1-based): chr16:2,083,728, G>A. VCF-style: chr16-2083728-G-A. GRCh37 (hg19) VCF-style: chr16-2133729-G-A.
Other names: c.3716G>A, p.Gly1239Asp (NM_001077183.3); c.3848G>A, p.Gly1283Asp (NM_001114382.3); c.3608G>A, p.Gly1203Asp (NM_001318827.2); c.3572G>A, p.Gly1191Asp (NM_001318829.2); c.3185G>A, p.Gly1062Asp (NM_001318831.2); c.3749G>A, p.Gly1250Asp (NM_001318832.2); c.3719G>A, p.Gly1240Asp (NM_001363528.2); c.3785G>A, p.Gly1262Asp (NM_001370404.1); and 1 more; short protein forms G1203D, G1239D, G1062D, G1191D, G1262D, G1263D, G1306D, G1240D.
Identifiers: ClinVar variation 953348 (VCV000953348.14), dbSNP rs1567518028, ClinGen allele CA394297109.

ClinVar aggregate classification (germline): Conflicting classifications of pathogenicity. Review status: criteria provided, conflicting classifications (1 of 4 stars). 3 submissions from 3 submitters: Uncertain significance (2); Benign (1). Last evaluated 2026-03-11.

Conditions:
Tuberous sclerosis syndrome (TSC). Also called: Tuberous sclerosis; Tuberous Sclerosis Complex. Identifiers: Orphanet 805, MedGen C0041341, MONDO:0001734.
Tuberous sclerosis 2 (TSC2). Identifiers: Orphanet 805, MedGen C1860707, MONDO:0013199, OMIM 613254.
Hereditary cancer-predisposing syndrome. Also called: Tumor predisposition; Hereditary neoplastic syndrome; Hereditary Cancer Syndrome; Neoplastic Syndromes, Hereditary. Identifiers: Orphanet 140162, MedGen C0027672, MeSH D009386, MONDO:0015356.

Submissions (3):

Ambry Genetics
Classification: Uncertain significance for Hereditary cancer-predisposing syndrome. Last evaluated: 2026-03-11. Review status: criteria provided, single submitter. Criteria: Ambry Variant Classification Scheme 2023. Collection method: clinical testing. Allele origin: germline.

Labcorp Genetics (formerly Invitae), Labcorp
Classification: Benign for Tuberous sclerosis 2. Last evaluated: 2025-11-09. Review status: criteria provided, single submitter. Criteria: Invitae Variant Classification Sherloc (09022015). Collection method: clinical testing. Allele origin: germline.

Color Diagnostics, LLC DBA Color Health
Classification: Uncertain significance for Tuberous sclerosis syndrome. Last evaluated: 2025-08-28. Review status: criteria provided, single submitter. Criteria: ACMG Guidelines, 2015. Collection method: clinical testing. Allele origin: germline.
Comment: This missense variant replaces glycine with aspartic acid at codon 1306 of the TSC2 protein. Computational prediction is inconclusive regarding the impact of this variant on protein structure and function. To our knowledge, functional studies have not been reported for this variant. This variant has not been reported in individuals affected with TSC2-related disorders in the literature. This variant has not been identified in the general population by the Genome Aggregation Database (gnomAD). The available evidence is insufficient to determine the role of this variant in disease conclusively. Therefore, this variant is classified as a Variant of Uncertain Significance.